The following is an entry in ClinVar:

ClinVar aggregate classification (germline): Benign. Review status: criteria provided, multiple submitters, no conflicts (2 of 4 stars). 3 submissions from 3 submitters: Benign (3). Last evaluated 2026-01-31.

Conditions:
Oculotrichoanal syndrome (MOTA). Also called: MARLES SYNDROME; Manitoba Oculotrichoanal (MOTA) Syndrome. Identifiers: Orphanet 2717, MedGen C1855425, MONDO:0009560, OMIM 248450.

Allele frequency attached by ClinVar (database versions not stated): gnomAD exomes 0.00222; ExAC 0.00501; ESP Exome Variant Server 0.00916; gnomAD 0.01143 and 0.01236; 1000 Genomes Project 30x 0.01187; 1000 Genomes Project 0.01198; TOPMed 0.01299.
gnomAD v4.1: 3,298 of 1,543,574 alleles (0.21%); highest among the groups gnomAD compares: African/African-American, 4%; 55 homozygotes.

Submissions (3):

Labcorp Genetics (formerly Invitae), Labcorp
Classification: Benign. Last evaluated: 2026-01-31. Review status: criteria provided, single submitter. Criteria: Invitae Variant Classification Sherloc (09022015). Collection method: clinical testing. Allele origin: germline.

Illumina Laboratory Services, Illumina
Classification: Benign for Oculotrichoanal syndrome. Last evaluated: 2018-01-13. Review status: criteria provided, single submitter. Criteria: ICSL Variant Classification Criteria 13 December 2019. Collection method: clinical testing. Allele origin: germline.
Comment: This variant was observed in the ICSL laboratory as part of a predisposition screen in an ostensibly healthy population. It had not been previously curated by ICSL or reported in the Human Gene Mutation Database (HGMD: prior to June 1st, 2018), and was therefore a candidate for classification through an automated scoring system. Utilizing variant allele frequency, disease prevalence and penetrance estimates, and inheritance mode, an automated score was calculated to assess if this variant is too frequent to cause the disease. Based on the score and internal cut-off values, a variant classified as benign is not then subjected to further curation. The score for this variant resulted in a classification of benign for this disease.

Breakthrough Genomics
Classification: Benign. Review status: criteria provided, single submitter. Criteria: ACMG Guidelines, 2015. Collection method: not provided. Allele origin: germline. Inheritance: Autosomal recessive inheritance. Affected: yes.

NM_001379081.2(FREM1):c.5814T>A (p.Val1938=)

Gene: FREM1 (FRAS1 related extracellular matrix 1; minus strand). Cytogenetic location: 9p22.3.
Variant type: single nucleotide variant.
Coding change: c.5814T>A on transcript NM_001379081.2 (MANE Select); coding-DNA position 5814, T replaced by A.
Protein change: p.Val1938=; no amino-acid change (valine 1938 retained).
Molecular consequence: synonymous variant. On other transcripts: non-coding transcript variant (3).
Genome position (GRCh38, 1-based): chr9:14,747,711, A>T on the plus strand (T>A on the coding strand, the complement: FREM1 is on the minus strand). VCF-style: chr9-14747711-A-T. GRCh37 (hg19) VCF-style: chr9-14747709-A-T.
Other names: c.1422T>A, p.Val474= (NM_001177704.3, NM_001370061.2); c.1272T>A, p.Val424= (NM_001370058.2); c.5814T>A, p.Val1938= (NM_144966.7).
Identifiers: ClinVar variation 366109 (VCV000366109.15), dbSNP rs114909107, ClinGen allele CA4989641.